The following is an entry in ClinVar:

NM_001349338.3(FOXP1):c.1589A>T (p.Lys530Ile)

Gene: FOXP1 (forkhead box P1; minus strand). Cytogenetic location: 3p13.
Variant type: single nucleotide variant.
Coding change: c.1589A>T on transcript NM_001349338.3 (MANE Select); coding-DNA position 1589, A replaced by T.
Protein change: p.Lys530Ile; replaces lysine 530 with isoleucine.
Molecular consequence: missense variant. On other transcripts: non-coding transcript variant (2), intron variant (1).
Genome position (GRCh38, 1-based): chr3:70,972,618, T>A on the plus strand (A>T on the coding strand, the complement: FOXP1 is on the minus strand). VCF-style: chr3-70972618-T-A. GRCh37 (hg19) VCF-style: chr3-71021769-T-A.
Other names: c.1586A>T, p.Lys529Ile (NM_001244808.3, NM_001349341.3); c.1361A>T, p.Lys454Ile (NM_001244812.3); c.1289A>T, p.Lys430Ile (NM_001244813.3, NM_001244815.2, NM_001349342.3); c.1589A>T, p.Lys530Ile (NM_001244814.3, NM_001244816.2, NM_001349339.1 and 2 more transcripts); c.1286A>T, p.Lys429Ile (NM_001349337.2, NM_001349343.3, NM_001349344.3 and 1 more transcripts); c.1531-438A>T (NM_001244810.2); short protein forms K429I, K529I, K530I, K454I, K430I.
Identifiers: ClinVar variation 2694349 (VCV002694349.3), dbSNP rs2545049083, ClinGen allele CA353491640.

ClinVar aggregate classification (germline): Uncertain significance (1 of 4 stars; one submission).

Submission:

Labcorp Genetics (formerly Invitae), Labcorp
Classification: Uncertain significance. Last evaluated: 2023-11-08. Review status: criteria provided, single submitter. Criteria: Invitae Variant Classification Sherloc (09022015). Collection method: clinical testing. Allele origin: germline.
Comment: This sequence change replaces lysine, which is basic and polar, with isoleucine, which is neutral and non-polar, at codon 530 of the FOXP1 protein (p.Lys530Ile). This variant is not present in population databases (gnomAD no frequency). This variant has not been reported in the literature in individuals affected with FOXP1-related conditions. Advanced modeling of protein sequence and biophysical properties (such as structural, functional, and spatial information, amino acid conservation, physicochemical variation, residue mobility, and thermodynamic stability) performed at Invitae indicates that this missense variant is expected to disrupt FOXP1 protein function with a positive predictive value of 80%. In summary, the available evidence is currently insufficient to determine the role of this variant in disease. Therefore, it has been classified as a Variant of Uncertain Significance.